The following is an entry in ClinVar:

ClinVar aggregate classification (germline): Uncertain significance (1 of 4 stars; one submission).

Conditions:
Hereditary cancer-predisposing syndrome. Also called: Neoplastic Syndromes, Hereditary; Tumor predisposition; Hereditary neoplastic syndrome; Hereditary Cancer Syndrome. Identifiers: Orphanet 140162, MedGen C0027672, MeSH D009386, MONDO:0015356.

Submission:

Ambry Genetics
Classification: Uncertain significance for Hereditary cancer-predisposing syndrome. Last evaluated: 2024-04-20. Review status: criteria provided, single submitter. Criteria: Ambry Variant Classification Scheme 2023. Collection method: clinical testing. Allele origin: germline.
Comment: The c.4170+3A>G intronic variant results from an A to G substitution 3 nucleotides after coding exon 28 in the SMARCA4 gene. This nucleotide position is highly conserved in available vertebrate species. In silico splice site analysis predicts that this alteration may weaken the native splice donor site. Based on the available evidence, the clinical significance of this variant remains unclear.

NM_003072.5(SMARCA4):c.4170+3A>G

Gene: SMARCA4 (SWI/SNF related BAF chromatin remodeling complex subunit ATPase 4; plus strand). Cytogenetic location: 19p13.2.
Variant type: single nucleotide variant.
Coding change: c.4170+3A>G on transcript NM_003072.5 (MANE Select); 3 bases into the intron after coding-DNA position 4170, A replaced by G.
Molecular consequence: intron variant.
Genome position (GRCh38, 1-based): chr19:11,035,135, A>G. VCF-style: chr19-11035135-A-G. GRCh37 (hg19) VCF-style: chr19-11145811-A-G.
Other names: c.4170+3A>G (NM_001128844.3, NM_001128849.3, NM_001387283.1); c.4071+3A>G (NM_001128847.4, NM_001411150.1, NM_001374457.1 and 3 more transcripts).
Identifiers: ClinVar variation 3320715 (VCV003320715.1).